The following is an entry in ClinVar:

ClinVar aggregate classification (germline): Uncertain significance (1 of 4 stars; one submission).

Conditions:
Neutral lipid storage myopathy (NLSDM). Also called: NEUTRAL LIPID STORAGE DISEASE WITHOUT ICHTHYOSIS. Identifiers: Orphanet 98908, MedGen C1853136, MONDO:0012545, OMIM 610717.

Submission:

Labcorp Genetics (formerly Invitae), Labcorp
Classification: Uncertain significance for Neutral lipid storage myopathy. Last evaluated: 2025-11-12. Review status: criteria provided, single submitter. Criteria: Invitae Variant Classification Sherloc (09022015). Collection method: clinical testing. Allele origin: germline.
Comment: This sequence change replaces alanine, which is neutral and non-polar, with aspartic acid, which is acidic and polar, at codon 453 of the PNPLA2 protein (p.Ala453Asp). This variant is not present in population databases (gnomAD no frequency). This variant has not been reported in the literature in individuals affected with PNPLA2-related conditions. An algorithm developed to predict the effect of missense changes on protein structure and function (PolyPhen-2) suggests that this variant is likely to be disruptive. In summary, the available evidence is currently insufficient to determine the role of this variant in disease. Therefore, it has been classified as a Variant of Uncertain Significance.

NM_020376.4(PNPLA2):c.1358C>A (p.Ala453Asp)

Gene: PNPLA2 (patatin like domain 2, triacylglycerol lipase; plus strand). Cytogenetic location: 11p15.5.
Variant type: single nucleotide variant.
Coding change: c.1358C>A on transcript NM_020376.4 (MANE Select); coding-DNA position 1358, C replaced by A.
Protein change: p.Ala453Asp; replaces alanine 453 with aspartic acid.
Molecular consequence: missense variant.
Genome position (GRCh38, 1-based): chr11:824,705, C>A. VCF-style: chr11-824705-C-A. GRCh37 (hg19) VCF-style: chr11-824705-C-A.
Other names: short protein forms A453D.
Identifiers: ClinVar variation 4731084 (VCV004731084.1).
Genomic context (GRCh38, chr11:824,705, plus strand): 5'-TGGCCAAGTGGGAGGAGTGCCAGCGCCAGCTGCTGCTCGGCCTCTTCTGCACCAACGTGG[C>A]CTTCCCGCCCGAAGCTCTGCGCATGCGCGCACCCGCCGACCCGGCTCCCGCCCCCGCGGA-3'
Protein context (NP_065109.1, residues 443-463): LLLGLFCTNV[Ala453Asp]FPPEALRMRA